The following is an entry in ClinVar:

NM_007294.4(BRCA1):c.3029C>T (p.Pro1010Leu)

Gene: BRCA1 (BRCA1 DNA repair associated; minus strand). Cytogenetic location: 17q21.31.
Variant type: single nucleotide variant.
Coding change: c.3029C>T on transcript NM_007294.4 (MANE Select); coding-DNA position 3029, C replaced by T.
Protein change: p.Pro1010Leu; replaces proline 1010 with leucine.
Molecular consequence: missense variant. On other transcripts: intron variant (137).
Genome position (GRCh38, 1-based): chr17:43,092,502, G>A on the plus strand (C>T on the coding strand, the complement: BRCA1 is on the minus strand). VCF-style: chr17-43092502-G-A. GRCh37 (hg19) VCF-style: chr17-41244519-G-A.
Other names: c.2816C>T, p.Pro939Leu (NM_001407571.1, NM_001407853.1, NM_001407894.1 and 9 more transcripts); c.3029C>T, p.Pro1010Leu (NM_001407581.1, NM_001407582.1, NM_001407583.1 and 30 more transcripts); c.3026C>T, p.Pro1009Leu (NM_001407587.1, NM_001407590.1, NM_001407591.1 and 22 more transcripts); c.3020C>T, p.Pro1007Leu (NM_001407646.1, NM_001407647.1); c.2906C>T, p.Pro969Leu (NM_001407648.1, NM_001407664.1, NM_001407665.1 and 19 more transcripts); c.2903C>T, p.Pro968Leu (NM_001407649.1, NM_001407670.1, NM_001407671.1 and 11 more transcripts); c.2951C>T, p.Pro984Leu (NM_001407663.1, NM_001407653.1, NM_001407654.1 and 4 more transcripts); c.2888C>T, p.Pro963Leu (NM_001407727.1, NM_001407728.1, NM_001407729.1 and 29 more transcripts); and 41 more; short protein forms P1010L, P963L, P842L, P922L, P940L, P942L, P1009L, P939L.
Identifiers: ClinVar variation 664325 (VCV000664325.19), dbSNP rs1597866094, ClinGen allele CA10595933.

ClinVar aggregate classification (germline): Conflicting classifications of pathogenicity. Review status: criteria provided, conflicting classifications (1 of 4 stars). 5 submissions from 5 submitters: Uncertain significance (4); Likely benign (1). Last evaluated 2024-06-07.

Conditions:
Hereditary breast ovarian cancer syndrome. Also called: Hereditary breast and ovarian cancer syndrome (HBOC); Hereditary breast and ovarian cancer; BRCA1- and BRCA2-Associated Hereditary Breast and Ovarian Cancer; Breast and ovarian cancer; Hereditary breast and ovarian cancer syndrome; Hereditary breast and/or ovarian cancer syndrome. Identifiers: Orphanet 145, MedGen C0677776, MeSH D061325, MONDO:0003582. Disease mechanism: loss of function.
Breast-ovarian cancer, familial, susceptibility to, 1 (BROVCA1). Also called: OVARIAN CANCER, SUSCEPTIBILITY TO; BRCA1 Hereditary Breast and Ovarian Cancer. Identifiers: Orphanet 145, MedGen C2676676, MONDO:0011450, OMIM 604370. Disease mechanism: loss of function.
Hereditary cancer-predisposing syndrome. Also called: Hereditary neoplastic syndrome; Tumor predisposition; Hereditary Cancer Syndrome; Neoplastic Syndromes, Hereditary. Identifiers: Orphanet 140162, MedGen C0027672, MeSH D009386, MONDO:0015356.

Submissions (5):

Ambry Genetics
Classification: Uncertain significance for Hereditary cancer-predisposing syndrome. Last evaluated: 2024-06-07. Review status: criteria provided, single submitter. Criteria: Ambry Variant Classification Scheme 2023. Collection method: clinical testing. Allele origin: germline.
Comment: The p.P1010L variant (also known as c.3029C>T), located in coding exon 9 of the BRCA1 gene, results from a C to T substitution at nucleotide position 3029. The proline at codon 1010 is replaced by leucine, an amino acid with similar properties. This amino acid position is not well conserved in available vertebrate species. In addition, this alteration is predicted to be tolerated by in silico analysis. Based on the available evidence, the clinical significance of this variant remains unclear.

Color Diagnostics, LLC DBA Color Health
Classification: Uncertain significance for Hereditary cancer-predisposing syndrome. Last evaluated: 2024-03-25. Review status: criteria provided, single submitter. Criteria: ACMG Guidelines, 2015. Collection method: clinical testing. Allele origin: germline.
Comment: This missense variant replaces proline with leucine at codon 1010 of the BRCA1 protein. Computational prediction suggests that this variant may not impact protein structure and function. To our knowledge, functional studies have not been reported for this variant. This variant has been detected in a breast cancer and a pancreatic cancer case-control study in one unaffected individual and absent in 7051 female breast cancer and 1005 pancreatic cancer cases (PMID: 30287823, 32980694). This variant has not been identified in the general population by the Genome Aggregation Database (gnomAD). The available evidence is insufficient to determine the role of this variant in disease conclusively. Therefore, this variant is classified as a Variant of Uncertain Significance.

All of Us Research Program, National Institutes of Health
Classification: Uncertain significance for Breast-ovarian cancer, familial, susceptibility to, 1. Last evaluated: 2024-01-06. Review status: criteria provided, single submitter. Criteria: ACMG Guidelines, 2015. Collection method: clinical testing. Allele origin: germline. Inheritance: Autosomal dominant inheritance. Observed: 1 variant allele, 1 heterozygote.
Comment: This study involves interpretation of variants in research participants for the purpose of population health screening. Participant phenotype was not available at the time of variant classification. Additional details can be found in publication PMID: 35346344, PMCID: PMC8962531

University of Washington Department of Laboratory Medicine, University of Washington
Classification: Likely benign for Hereditary cancer-predisposing syndrome. Last evaluated: 2023-03-23. Review status: criteria provided, single submitter. Criteria: Dines et al. (Genet Med. 2020). Collection method: curation. Allele origin: germline.
Comment: Missense variant in a coldspot region where missense variants are very unlikely to be pathogenic (PMID:31911673).

BRCA1 coldspot (exon 11 using historical exon numbering). Reclassification based on statistical prior probability

Labcorp Genetics (formerly Invitae), Labcorp
Classification: Uncertain significance for Hereditary breast ovarian cancer syndrome. Last evaluated: 2018-11-08. Review status: criteria provided, single submitter. Criteria: Invitae Variant Classification Sherloc (09022015). Collection method: clinical testing. Allele origin: germline.
Comment: Algorithms developed to predict the effect of missense changes on protein structure and function output the following: SIFT: "Tolerated"; PolyPhen-2: "Benign"; Align-GVGD: "Class C0". The leucine amino acid residue is found in multiple mammalian species, suggesting that this missense change does not adversely affect protein function. These predictions have not been confirmed by published functional studies and their clinical significance is uncertain. This sequence change replaces proline with leucine at codon 1010 of the BRCA1 protein (p.Pro1010Leu). The proline residue is moderately conserved and there is a moderate physicochemical difference between proline and leucine. This variant is not present in population databases (ExAC no frequency). This variant has not been reported in the literature in individuals with BRCA1-related disease. In summary, the available evidence is currently insufficient to determine the role of this variant in disease. Therefore, it has been classified as a Variant of Uncertain Significance.

Literature cited by the submitters: PubMed 30287823 (cited by Color Diagnostics, LLC DBA Color Health); PubMed 32980694 (cited by Color Diagnostics, LLC DBA Color Health).